The following is an entry in ClinVar:

ClinVar aggregate classification (germline): Uncertain significance. Review status: criteria provided, multiple submitters, no conflicts (2 of 4 stars). 3 submissions from 3 submitters: Uncertain significance (3). Last evaluated 2026-07-07.

Conditions:
Familial adenomatous polyposis 1 (FAP1). Also called: FAMILIAL ADENOMATOUS POLYPOSIS 1, ATTENUATED; POLYPOSIS, ADENOMATOUS INTESTINAL. Identifiers: MedGen C2713442, MONDO:0021056, OMIM 175100. Disease mechanism: loss of function.
Hereditary cancer-predisposing syndrome. Also called: Tumor predisposition; Hereditary neoplastic syndrome; Neoplastic Syndromes, Hereditary; Hereditary Cancer Syndrome. Identifiers: Orphanet 140162, MedGen C0027672, MeSH D009386, MONDO:0015356.

Submissions (3):

Ambry Genetics
Classification: Uncertain significance for Hereditary cancer-predisposing syndrome. Last evaluated: 2026-07-07. Review status: criteria provided, single submitter. Criteria: Ambry Variant Classification Scheme 2023. Collection method: clinical testing. Allele origin: germline.
Comment: The p.S925I variant (also known as c.2774G>T), located in coding exon 15 of the APC gene, results from a G to T substitution at nucleotide position 2774. The serine at codon 925 is replaced by isoleucine, an amino acid with dissimilar properties. This amino acid position is conserved. In addition, in silico predictors for this gene do not accurately predict pathogenicity. Based on the available evidence, the clinical significance of this variant remains unclear.

Color Diagnostics, LLC DBA Color Health
Classification: Uncertain significance for Hereditary cancer-predisposing syndrome. Last evaluated: 2023-12-04. Review status: criteria provided, single submitter. Criteria: ACMG Guidelines, 2015. Collection method: clinical testing. Allele origin: germline.
Comment: This missense variant replaces serine with isoleucine at codon 925 of the APC protein. Computational prediction suggests that this variant may not impact protein structure and function (internally defined REVEL score threshold <= 0.5, PMID: 27666373). To our knowledge, functional studies have not been reported for this variant. This variant has not been reported in individuals affected with APC-related disorders in the literature. This variant has not been identified in the general population by the Genome Aggregation Database (gnomAD). The available evidence is insufficient to determine the role of this variant in disease conclusively. Therefore, this variant is classified as a Variant of Uncertain Significance.

Labcorp Genetics (formerly Invitae), Labcorp
Classification: Uncertain significance for Familial adenomatous polyposis 1. Last evaluated: 2019-12-28. Review status: criteria provided, single submitter. Criteria: Invitae Variant Classification Sherloc (09022015). Collection method: clinical testing. Allele origin: germline.
Comment: Algorithms developed to predict the effect of missense changes on protein structure and function are either unavailable or do not agree on the potential impact of this missense change (SIFT: "Deleterious"; PolyPhen-2: "Benign"; Align-GVGD: "Class C0"). In summary, the available evidence is currently insufficient to determine the role of this variant in disease. Therefore, it has been classified as a Variant of Uncertain Significance. This variant has not been reported in the literature in individuals with APC-related conditions. This variant is not present in population databases (ExAC no frequency). This sequence change replaces serine with isoleucine at codon 925 of the APC protein (p.Ser925Ile). The serine residue is moderately conserved and there is a large physicochemical difference between serine and isoleucine.

NM_000038.6(APC):c.2774G>T (p.Ser925Ile)

Gene: APC (APC regulator of Wnt signaling pathway; plus strand). Cytogenetic location: 5q22.2.
Variant type: single nucleotide variant.
Coding change: c.2774G>T on transcript NM_000038.6 (MANE Select); coding-DNA position 2774, G replaced by T.
Protein change: p.Ser925Ile; replaces serine 925 with isoleucine.
Molecular consequence: missense variant.
Genome position (GRCh38, 1-based): chr5:112,838,368, G>T. VCF-style: chr5-112838368-G-T. GRCh37 (hg19) VCF-style: chr5-112174065-G-T.
Other names: c.2774G>T, p.Ser925Ile (NM_001127510.3, NM_001354895.2); c.2720G>T, p.Ser907Ile (NM_001127511.3); c.2828G>T, p.Ser943Ile (NM_001354896.2); c.2804G>T, p.Ser935Ile (NM_001354897.2); c.2699G>T, p.Ser900Ile (NM_001354898.2); c.2690G>T, p.Ser897Ile (NM_001354899.2); c.2651G>T, p.Ser884Ile (NM_001354900.2); c.2597G>T, p.Ser866Ile (NM_001354901.2); and 5 more; short protein forms S642I, S765I, S799I, S834I, S884I, S897I, S907I, S925I.
Identifiers: ClinVar variation 850882 (VCV000850882.16), dbSNP rs1197529917, ClinGen allele CA16027385.
Genomic context (GRCh38, chr5:112,838,368, plus strand): 5'-GTTCTGGGTCTACCACTGAATTACATTGTGTGACAGATGAGAGAAATGCACTTAGAAGAA[G>T]CTCTGCTGCCCATACACATTCAAACACTTACAATTTCACTAAGTCGGAAAATTCAAATAG-3'
Protein context (NP_000029.2, residues 915-935): VTDERNALRR[Ser925Ile]SAAHTHSNTY